The following is an entry in ClinVar:

NM_000059.4(BRCA2):c.8032A>G (p.Arg2678Gly)

Gene: BRCA2 (BRCA2 DNA repair associated; plus strand). Cytogenetic location: 13q13.1.
Variant type: single nucleotide variant.
Coding change: c.8032A>G on transcript NM_000059.4 (MANE Select); coding-DNA position 8032, A replaced by G.
Protein change: p.Arg2678Gly; replaces arginine 2678 with glycine.
Molecular consequence: missense variant.
Genome position (GRCh38, 1-based): chr13:32,363,234, A>G. VCF-style: chr13-32363234-A-G. GRCh37 (hg19) VCF-style: chr13-32937371-A-G.
Other names: 8260A>G; short protein forms R2678G.
Identifiers: ClinVar variation 52478 (VCV000052478.16), dbSNP rs80359039, ClinGen allele CA025414.
Genomic context (GRCh38, chr13:32,363,234, plus strand): 5'-TTTAGATATGATACGGAAATTGATAGAAGCAGAAGATCGGCTATAAAAAAGATAATGGAA[A>G]GGGATGACACAGCTGCAAAAACACTTGTTCTCTGTGTTTCTGACATAATTTCATTGAGCG-3'
Protein context (NP_000050.3, residues 2668-2688): RRSAIKKIME[Arg2678Gly]DDTAAKTLVL

ClinVar aggregate classification (germline): Conflicting classifications of pathogenicity. Review status: criteria provided, conflicting classifications (1 of 4 stars). 8 submissions from 8 submitters: Uncertain significance (3); Likely benign (1). 4 of the submissions do not count toward it. Last evaluated 2025-08-27.

Conditions:
Hereditary breast ovarian cancer syndrome. Also called: Hereditary breast and ovarian cancer syndrome; Hereditary breast and ovarian cancer; Hereditary breast and ovarian cancer syndrome (HBOC); Breast and ovarian cancer; Hereditary breast and/or ovarian cancer syndrome; BRCA1- and BRCA2-Associated Hereditary Breast and Ovarian Cancer. Identifiers: Orphanet 145, MedGen C0677776, MeSH D061325, MONDO:0003582. Disease mechanism: loss of function.
Familial cancer of breast. Also called: BREAST CANCER, FAMILIAL; Hereditary breast cancer; hereditary breast carcinoma. Identifiers: Orphanet 227535, MedGen C0346153, MONDO:0016419, OMIM 114480. Disease mechanism: loss of function.
Hereditary cancer-predisposing syndrome. Also called: Neoplastic Syndromes, Hereditary; Tumor predisposition; Hereditary neoplastic syndrome; Hereditary Cancer Syndrome. Identifiers: Orphanet 140162, MedGen C0027672, MeSH D009386, MONDO:0015356.
Breast-ovarian cancer, familial, susceptibility to, 2 (BROVCA2). Also called: BRCA2 Hereditary Breast and Ovarian Cancer. Identifiers: Orphanet 145, MedGen C2675520, MONDO:0012933, OMIM 612555. Disease mechanism: loss of function.

Allele frequency attached by ClinVar (database versions not stated): gnomAD exomes below 0.00001.
gnomAD v4.1: 1 of 1,614,060 alleles (0.000062%); highest among the groups gnomAD compares: African/African-American, 0.0013%; no homozygotes.

Submissions (8):

Labcorp Genetics (formerly Invitae), Labcorp
Classification: Uncertain significance for Hereditary breast ovarian cancer syndrome. Last evaluated: 2025-08-27. Review status: criteria provided, single submitter. Criteria: Invitae Variant Classification Sherloc (09022015). Collection method: clinical testing. Allele origin: germline.
Comment: This sequence change replaces arginine, which is basic and polar, with glycine, which is neutral and non-polar, at codon 2678 of the BRCA2 protein (p.Arg2678Gly). This variant is not present in population databases (gnomAD no frequency). This missense change has been observed in individual(s) with clinical features of BRCA2-related conditions (PMID: 20127978). ClinVar contains an entry for this variant (Variation ID: 52478). Invitae Evidence Modeling incorporating data from in vitro experimental studies (PMID: 33609447) indicates that this missense variant is not expected to disrupt BRCA2 function with a negative predictive value of 95%. Experimental studies have shown that this missense change does not substantially affect BRCA2 function (PMID: 29394989). In summary, the available evidence is currently insufficient to determine the role of this variant in disease. Therefore, it has been classified as a Variant of Uncertain Significance.

Baylor Genetics
Classification: Uncertain significance for Familial cancer of breast. Last evaluated: 2023-11-09. Review status: criteria provided, single submitter. Criteria: ACMG Guidelines, 2015. Collection method: clinical testing. Allele origin: unknown.

Ambry Genetics
Classification: Likely benign for Hereditary cancer-predisposing syndrome. Last evaluated: 2019-12-06. Review status: criteria provided, single submitter. Criteria: Ambry Variant Classification Scheme 2023. Collection method: clinical testing. Allele origin: germline.

GeneDx
Classification: Uncertain significance. Last evaluated: 2019-10-02. Review status: criteria provided, single submitter. Criteria: GeneDx Variant Classification Process June 2021. Collection method: clinical testing. Allele origin: germline. Affected: yes.
Comment: Not observed in large population cohorts (Lek 2016); In silico analysis, which includes protein predictors and evolutionary conservation, supports that this variant does not alter protein structure/function; Observed in an individual with early onset breast cancer (Lee 2008); Also known as BRCA2 8260A>G; This variant is associated with the following publications: (PMID: 29884841, 31131967, 18284688, 19043619, 29394989, 20127978)

Counsyl
Classification: Uncertain significance for Breast-ovarian cancer, familial, susceptibility to, 2. Last evaluated: 2018-03-22. Review status: no assertion criteria provided. Collection method: clinical testing. Allele origin: unknown. Not counted in ClinVar's aggregate classification.

Research Molecular Genetics Laboratory, Women's College Hospital, University of Toronto
Classification: Uncertain significance. Last evaluated: 2014-01-31. Review status: no assertion criteria provided. Collection method: research. Allele origin: germline. Affected: yes. Study: The Canadian Open Genetics Repository (COGR). Not counted in ClinVar's aggregate classification.

Sharing Clinical Reports Project (SCRP)
Classification: Uncertain significance for Breast-ovarian cancer, familial 2. Last evaluated: 2009-06-29. Review status: no assertion criteria provided. Collection method: clinical testing. Allele origin: germline. Not counted in ClinVar's aggregate classification.

Breast Cancer Information Core (BIC) (BRCA2)
Classification: Uncertain significance for Breast-ovarian cancer, familial 2. Last evaluated: 2004-02-20. Review status: no assertion criteria provided. Collection method: clinical testing. Allele origin: germline. Affected: yes. Observed: 1 variant allele. Not counted in ClinVar's aggregate classification.

Literature cited by the submitters: PubMed 20127978 (cited by 3 submitters); PubMed 33609447 (cited by Labcorp Genetics (formerly Invitae), Labcorp); PubMed 29394989 (cited by 3 submitters); PubMed 18284688 (cited by Ambry Genetics and Counsyl); PubMed 19043619 (cited by Ambry Genetics); PubMed 28591715 (cited by Ambry Genetics).